The following is an entry in ClinVar:

NM_001379291.1(BRD4):c.2358G>A (p.Pro786=)

Gene: BRD4 (bromodomain containing 4; minus strand). Cytogenetic location: 19p13.12.
Variant type: single nucleotide variant.
Coding change: c.2358G>A on transcript NM_001379291.1 (MANE Select); coding-DNA position 2358, G replaced by A.
Protein change: p.Pro786=; no amino-acid change (proline 786 retained).
Molecular consequence: synonymous variant.
Genome position (GRCh38, 1-based): chr19:15,244,454, C>T on the plus strand (G>A on the coding strand, the complement: BRD4 is on the minus strand). VCF-style: chr19-15244454-C-T. GRCh37 (hg19) VCF-style: chr19-15355265-C-T.
Other names: c.2358G>A, p.Pro786= (NM_058243.3).
Identifiers: ClinVar variation 2418391 (VCV002418391.15), dbSNP rs200525783, ClinGen allele CA9264965.

ClinVar aggregate classification (germline): Benign/Likely benign. Review status: criteria provided, multiple submitters, no conflicts (2 of 4 stars). 2 submissions from 2 submitters: Benign (1); Likely benign (1). Last evaluated 2026-01-13.

Allele frequency attached by ClinVar (database versions not stated): 1000 Genomes Project 30x 0.00016; ExAC 0.00019; 1000 Genomes Project 0.00020; TOPMed 0.00042; gnomAD 0.00057.
gnomAD v4.1: 167 of 434,140 alleles (0.038%); highest among the groups gnomAD compares: African/African-American, 0.3%; no homozygotes.

Submissions (2):

Labcorp Genetics (formerly Invitae), Labcorp
Classification: Benign. Last evaluated: 2026-01-13. Review status: criteria provided, single submitter. Criteria: Invitae Variant Classification Sherloc (09022015). Collection method: clinical testing. Allele origin: germline.

CeGaT Center for Human Genetics Tuebingen
Classification: Likely benign. Last evaluated: 2025-07-01. Review status: criteria provided, single submitter. Criteria: CeGaT Center For Human Genetics Tuebingen Variant Classification Criteria Version 2. Collection method: clinical testing. Allele origin: germline. Affected: yes. Observed: 1 variant allele.
Comment: BRD4: BP4, BP7